The following is an entry in ClinVar:

NC_000008.10:g.(?_10467650)_(10469892_?)del

Gene: RP1L1 (RP1 like 1). Cytogenetic location: 8p23.1.
Variant type: Deletion.
Identifiers: ClinVar variation 2427574 (VCV002427574.4).

ClinVar aggregate classification (germline): Uncertain significance (1 of 4 stars; one submission).

Submission:

Labcorp Genetics (formerly Invitae), Labcorp
Classification: Uncertain significance. Last evaluated: 2022-04-26. Review status: criteria provided, single submitter. Criteria: Invitae Variant Classification Sherloc (09022015). Collection method: clinical testing. Allele origin: germline.
Comment: This sequence change creates a premature translational stop signal (p.Asp573Alafs*6) in the RP1L1 gene. While this is not anticipated to result in nonsense mediated decay, it is expected to disrupt the last 1827 amino acid(s) of the RP1L1 protein. Information on the frequency of this variant in the gnomAD database is not available, as this variant may be reported differently in the database. This variant has not been reported in the literature in individuals affected with RP1L1-related conditions. Experimental studies and prediction algorithms are not available or were not evaluated, and the functional significance of this variant is currently unknown. In summary, the available evidence is currently insufficient to determine the role of this variant in disease. Therefore, it has been classified as a Variant of Uncertain Significance.